The following is an entry in ClinVar:

NM_020988.3(GNAO1):c.723G>A (p.Thr241=)

Gene: GNAO1 (G protein subunit alpha o1; plus strand). Cytogenetic location: 16q13.
Variant type: single nucleotide variant.
Coding change: c.723G>A on transcript NM_020988.3 (MANE Select); coding-DNA position 723, G replaced by A.
Protein change: p.Thr241=; no amino-acid change (threonine 241 retained).
Molecular consequence: synonymous variant.
Genome position (GRCh38, 1-based): chr16:56,336,860, G>A. VCF-style: chr16-56336860-G-A. GRCh37 (hg19) VCF-style: chr16-56370772-G-A.
Other names: c.723G>A, p.Thr241= (NM_138736.3).
Identifiers: ClinVar variation 1362549 (VCV001362549.9), dbSNP rs763053362, ClinGen allele CA8063835.
Genomic context (GRCh38, chr16:56,336,860, plus strand): 5'-CATCATTTTCTGTGTCGCGCTCAGCGGCTATGACCAGGTGCTCCACGAAGACGAAACCAC[G>A]GTGAGTGGCCTGGGCCCCCCGGGCAGGGGGCAGCGCTGAGGAGACGGCCGCAGGATAGGC-3'
Protein context (NP_066268.1, residues 231-251): YDQVLHEDET[Thr241=]NRMHESLMLF

ClinVar aggregate classification (germline): Uncertain significance (1 of 4 stars; one submission).

Conditions:
Early-infantile DEE. Also called: Early infantile epileptic encephalopathy with suppression bursts; Early infantile epileptic encephalopathy; Ohtahara syndrome. Identifiers: Orphanet 1934, MedGen C0393706, MONDO:0800491.

Allele frequency attached by ClinVar (database versions not stated): TOPMed 0.00002; gnomAD 0.00003; gnomAD exomes 0.00003 and 0.00004; ExAC 0.00004.
gnomAD v4.1: 57 of 1,609,392 alleles (0.0035%); highest among the groups gnomAD compares: Non-Finnish European, 0.0043%; no homozygotes.

Submission:

Labcorp Genetics (formerly Invitae), Labcorp
Classification: Uncertain significance for Early-infantile DEE. Last evaluated: 2025-03-11. Review status: criteria provided, single submitter. Criteria: Invitae Variant Classification Sherloc (09022015). Collection method: clinical testing. Allele origin: germline.
Comment: This sequence change affects codon 241 of the GNAO1 mRNA. It is a 'silent' change, meaning that it does not change the encoded amino acid sequence of the GNAO1 protein. This variant also falls at the last nucleotide of exon 6, which is part of the consensus splice site for this exon. This variant is present in population databases (rs763053362, gnomAD 0.01%). This variant has not been reported in the literature in individuals affected with GNAO1-related conditions. ClinVar contains an entry for this variant (Variation ID: 1362549). Variants that disrupt the consensus splice site are a relatively common cause of aberrant splicing (PMID: 17576681, 9536098). Algorithms developed to predict the effect of sequence changes on RNA splicing suggest that this variant is not likely to affect RNA splicing. In summary, the available evidence is currently insufficient to determine the role of this variant in disease. Therefore, it has been classified as a Variant of Uncertain Significance.

Literature cited by the submitters: PubMed 17576681; PubMed 9536098.